The following is an entry in ClinVar:

NM_005609.4(PYGM):c.1173C>A (p.His391Gln)

Gene: PYGM (glycogen phosphorylase, muscle associated; minus strand). Cytogenetic location: 11q13.1.
Variant type: single nucleotide variant.
Coding change: c.1173C>A on transcript NM_005609.4 (MANE Select); coding-DNA position 1173, C replaced by A.
Protein change: p.His391Gln; replaces histidine 391 with glutamine.
Molecular consequence: missense variant.
Genome position (GRCh38, 1-based): chr11:64,753,945, G>T on the plus strand (C>A on the coding strand, the complement: PYGM is on the minus strand). VCF-style: chr11-64753945-G-T. GRCh37 (hg19) VCF-style: chr11-64521417-G-T.
Other names: c.909C>A, p.His303Gln (NM_001164716.1); c.1173C>A (NM_005609.2); short protein forms H391Q, H303Q.
Identifiers: ClinVar variation 2087237 (VCV002087237.2), dbSNP rs765402043, ClinGen allele CA6079979.

ClinVar aggregate classification (germline): Uncertain significance. Review status: criteria provided, multiple submitters, no conflicts (2 of 4 stars). 2 submissions from 2 submitters: Uncertain significance (2). Last evaluated 2023-12-04.

Conditions:
Inborn genetic diseases. Identifiers: MedGen C0950123, MeSH D030342.
Glycogen storage disease, type V (GSD5). Also called: McArdle type glycogen storage disease; MCARDLE DISEASE; MUSCLE GLYCOGEN PHOSPHORYLASE DEFICIENCY; MYOPHOSPHORYLASE DEFICIENCY; PYGM DEFICIENCY. Identifiers: Orphanet 368, MedGen C0017924, MONDO:0009293, OMIM 232600.

Allele frequency attached by ClinVar (database versions not stated): gnomAD exomes below 0.00001; ExAC 0.00002.
gnomAD v4.1: 2 of 1,601,724 alleles (0.00012%); highest among the groups gnomAD compares: Non-Finnish European, 0.00017%; no homozygotes.

Submissions (2):

Ambry Genetics
Classification: Uncertain significance for Inborn genetic diseases. Last evaluated: 2023-12-04. Review status: criteria provided, single submitter. Criteria: Ambry Variant Classification Scheme 2023. Collection method: clinical testing. Allele origin: germline.

Labcorp Genetics (formerly Invitae), Labcorp
Classification: Uncertain significance for Glycogen storage disease, type V. Last evaluated: 2022-09-27. Review status: criteria provided, single submitter. Criteria: Invitae Variant Classification Sherloc (09022015). Collection method: clinical testing. Allele origin: germline.
Comment: This sequence change replaces histidine, which is basic and polar, with glutamine, which is neutral and polar, at codon 391 of the PYGM protein (p.His391Gln). The frequency data for this variant in the population databases is considered unreliable, as metrics indicate poor data quality at this position in the gnomAD database. This variant has not been reported in the literature in individuals affected with PYGM-related conditions. Advanced modeling of protein sequence and biophysical properties (such as structural, functional, and spatial information, amino acid conservation, physicochemical variation, residue mobility, and thermodynamic stability) performed at Invitae indicates that this missense variant is not expected to disrupt PYGM protein function. In summary, the available evidence is currently insufficient to determine the role of this variant in disease. Therefore, it has been classified as a Variant of Uncertain Significance.